The following is an entry in ClinVar:

ClinVar aggregate classification (germline): Uncertain significance. Review status: criteria provided, single submitter (1 of 4 stars). 2 submissions from 2 submitters: Uncertain significance (1). 1 of the submissions does not count toward it. Last evaluated 2021-08-13.

Conditions:
Inborn genetic diseases. Identifiers: MedGen C0950123, MeSH D030342.
ARMC5-related disorder. Also called: ARMC5-related condition.

Allele frequency attached by ClinVar (database versions not stated): gnomAD 0.00002; TOPMed 0.00002; ExAC 0.00003; gnomAD exomes 0.00003; 1000 Genomes Project 30x 0.00016; 1000 Genomes Project 0.00020.
gnomAD v4.1: 47 of 1,597,006 alleles (0.0029%); highest among the groups gnomAD compares: Admixed American, 0.03%; no homozygotes.

Submissions (2):

Ambry Genetics
Classification: Uncertain significance for Inborn genetic diseases. Last evaluated: 2021-08-13. Review status: criteria provided, single submitter. Criteria: Ambry Variant Classification Scheme 2023. Collection method: clinical testing. Allele origin: germline.

PreventionGenetics, part of Exact Sciences
Classification: Likely benign for ARMC5-related condition. Last evaluated: 2020-02-20. Review status: no assertion criteria provided. Collection method: clinical testing. Allele origin: germline. Not counted in ClinVar's aggregate classification.
Comment: This variant is classified as likely benign based on ACMG/AMP sequence variant interpretation guidelines (Richards et al. 2015 PMID: 25741868, with internal and published modifications).

NM_001105247.2(ARMC5):c.108C>G (p.Asn36Lys)

Gene: ARMC5 (armadillo repeat containing 5; plus strand). Cytogenetic location: 16p11.2.
Variant type: single nucleotide variant.
Coding change: c.108C>G on transcript NM_001105247.2 (MANE Select); coding-DNA position 108, C replaced by G.
Protein change: p.Asn36Lys; replaces asparagine 36 with lysine.
Molecular consequence: missense variant.
Genome position (GRCh38, 1-based): chr16:31,459,632, C>G. VCF-style: chr16-31459632-C-G. GRCh37 (hg19) VCF-style: chr16-31470953-C-G.
Other names: c.393C>G, p.Asn131Lys (NM_001288767.2); c.204C>G, p.Asn68Lys (NM_001301820.1); c.108C>G, p.Asn36Lys (NM_024742.2); c.393C>G (NM_001288767.1); short protein forms N36K, N131K, N68K.
Identifiers: ClinVar variation 2244616 (VCV002244616.4), dbSNP rs573009657, ClinGen allele CA8029350.